The following is an entry in ClinVar:

ClinVar aggregate classification (germline): Uncertain significance (1 of 4 stars; one submission).

Conditions:
Myasthenic syndrome, congenital, 22 (CMS22). Also called: PREPL DEFICIENCY. Identifiers: MedGen C4479088, MONDO:0044299, OMIM 616224.

Submission:

Labcorp Genetics (formerly Invitae), Labcorp
Classification: Uncertain significance for Myasthenic syndrome, congenital, 22. Last evaluated: 2021-08-27. Review status: criteria provided, single submitter. Criteria: Invitae Variant Classification Sherloc (09022015). Collection method: clinical testing. Allele origin: germline.
Comment: This sequence change replaces tyrosine with phenylalanine at codon 231 of the PREPL protein (p.Tyr231Phe). The tyrosine residue is moderately conserved and there is a small physicochemical difference between tyrosine and phenylalanine. This variant is not present in population databases (ExAC no frequency). This variant has not been reported in the literature in individuals affected with PREPL-related conditions. Algorithms developed to predict the effect of missense changes on protein structure and function output the following: SIFT: "Tolerated"; PolyPhen-2: "Benign"; Align-GVGD: "Class C0". The phenylalanine amino acid residue is found in multiple mammalian species, which suggests that this missense change does not adversely affect protein function. In summary, the available evidence is currently insufficient to determine the role of this variant in disease. Therefore, it has been classified as a Variant of Uncertain Significance.

NM_001171613.2(PREPL):c.425A>T (p.Tyr142Phe)

Gene: PREPL (prolyl endopeptidase like; minus strand). Cytogenetic location: 2p21.
Variant type: single nucleotide variant.
Coding change: c.425A>T on transcript NM_001171613.2 (MANE Select); coding-DNA position 425, A replaced by T.
Protein change: p.Tyr142Phe; replaces tyrosine 142 with phenylalanine.
Molecular consequence: missense variant.
Genome position (GRCh38, 1-based): chr2:44,342,477, T>A on the plus strand (A>T on the coding strand, the complement: PREPL is on the minus strand). VCF-style: chr2-44342477-T-A. GRCh37 (hg19) VCF-style: chr2-44569616-T-A.
Other names: c.692A>T, p.Tyr231Phe (NM_006036.4, NM_001042385.2, NM_001042386.2 and 4 more transcripts); c.425A>T, p.Tyr142Phe (NM_001171617.1, NM_001374277.1); short protein forms Y142F, Y231F.
Identifiers: ClinVar variation 957189 (VCV000957189.7), dbSNP rs778744293, ClinGen allele CA346692838.
Genomic context (GRCh38, chr2:44,342,477, plus strand): 5'-CTTGGGTCTTTTTCTGTGTAAAAGCGTTCATTACGTTTGTTATCACCAAAAGTGGCTCGA[T>A]ATACGTCATGACAGCGAAGGTTCCTCTGGAAGGTGTAGAATAAAACATCTTCATCTTCCT-3'
Protein context (NP_001165084.1, residues 132-152): FQRNLRCHDV[Tyr142Phe]RATFGDNKRN